The following is an entry in ClinVar:

NM_001368882.1(COL13A1):c.403G>C (p.Asp135His)

Gene: COL13A1 (collagen type XIII alpha 1 chain; plus strand). Cytogenetic location: 10q22.1.
Variant type: single nucleotide variant.
Coding change: c.403G>C on transcript NM_001368882.1 (MANE Select); coding-DNA position 403, G replaced by C.
Protein change: p.Asp135His; replaces aspartic acid 135 with histidine.
Molecular consequence: missense variant. On other transcripts: intron variant (9).
Genome position (GRCh38, 1-based): chr10:69,875,131, G>C. VCF-style: chr10-69875131-G-C. GRCh37 (hg19) VCF-style: chr10-71634887-G-C.
Other names: c.403G>C, p.Asp135His (NM_001130103.2, NM_001320951.2, NM_001368884.1 and 3 more transcripts); c.-254-2908G>C (NM_001368886.1); c.400-2908G>C (NM_001368883.1, NM_001368885.1); c.399+2921G>C (NM_080805.4, NM_001368897.1); c.373-5372G>C (NM_001368895.1); c.372+7326G>C (NM_001368898.1, NM_080798.4, NM_001368896.1); short protein forms D135H.
Identifiers: ClinVar variation 2133686 (VCV002133686.1), dbSNP rs1475613419, ClinGen allele CA376929880.

ClinVar aggregate classification (germline): Uncertain significance (1 of 4 stars; one submission).

Submission:

Labcorp Genetics (formerly Invitae), Labcorp
Classification: Uncertain significance. Last evaluated: 2022-05-04. Review status: criteria provided, single submitter. Criteria: Invitae Variant Classification Sherloc (09022015). Collection method: clinical testing. Allele origin: germline.
Comment: This sequence change replaces aspartic acid, which is acidic and polar, with histidine, which is basic and polar, at codon 135 of the COL13A1 protein (p.Asp135His). This variant is present in population databases (no rsID available, gnomAD 0.0009%). This variant has not been reported in the literature in individuals affected with COL13A1-related conditions. Algorithms developed to predict the effect of missense changes on protein structure and function are either unavailable or do not agree on the potential impact of this missense change (SIFT: "Deleterious"; PolyPhen-2: "Possibly Damaging"; Align-GVGD: "Class C0"). In summary, the available evidence is currently insufficient to determine the role of this variant in disease. Therefore, it has been classified as a Variant of Uncertain Significance.